The following is an entry in ClinVar:

NM_001378974.1(FBXW11):c.45+9406G>A

Gene: FBXW11 (F-box and WD repeat domain containing 11; minus strand). Cytogenetic location: 5q35.1.
Variant type: single nucleotide variant.
Coding change: c.45+9406G>A on transcript NM_001378974.1 (MANE Select); 9406 bases into the intron after coding-DNA position 45, G replaced by A.
Molecular consequence: intron variant. On other transcripts: splice acceptor variant (3).
Genome position (GRCh38, 1-based): chr5:171,997,052, C>T on the plus strand (G>A on the coding strand, the complement: FBXW11 is on the minus strand). VCF-style: chr5-171997052-C-T. GRCh37 (hg19) VCF-style: chr5-171424056-C-T.
Other names: c.45+9406G>A (NM_001378980.1, NM_033645.3, NM_033644.3 and 2 more transcripts); c.-174-1G>A (NM_001378977.1); c.-213-1G>A (NM_001378979.1, NM_001378976.1); c.-13+6129G>A (NM_001378978.1).
Identifiers: ClinVar variation 5008784 (VCV005008784.1).
Genomic context (GRCh38, chr5:171,997,052, plus strand): 5'-TTCTTTCCGTTTACTGTATCCAGCTTTCTTCAACAAAATCCCAAACATGCACTTCGGTAA[C>T]TGTTGAAAGACAGAAAGCAATCCATACACCCACCATGGCACCAGCGGCAAAGGACAGCCT-3'

ClinVar aggregate classification (germline): Uncertain significance (1 of 4 stars; one submission).

Submission:

GeneDx
Classification: Uncertain significance. Last evaluated: 2026-03-10. Review status: criteria provided, single submitter. Criteria: GeneDx Variant Classification Process June 2021. Collection method: clinical testing. Allele origin: germline.
Comment: Reported using an alternate transcript of the gene; Not observed at significant frequency in large population cohorts (gnomAD); In silico analysis supports a deleterious effect on splicing; Located in a regulatory region; in the absence of functional studies, the actual effect of this sequence change is unknown; Has not been previously published as pathogenic or benign to our knowledge